The following is an entry in ClinVar:

ClinVar aggregate classification (germline): Likely pathogenic (1 of 4 stars; one submission).

Conditions:
Nemaline myopathy 2 (NEM2). Also called: Nemaline myopathy 2, autosomal recessive. Identifiers: MedGen C1850569, MONDO:0009725, OMIM 256030.

Submission:

Labcorp Genetics (formerly Invitae), Labcorp
Classification: Likely pathogenic for Nemaline myopathy 2. Last evaluated: 2023-02-14. Review status: criteria provided, single submitter. Criteria: Invitae Variant Classification Sherloc (09022015). Collection method: clinical testing. Allele origin: germline.
Comment: This sequence change affects an acceptor splice site in intron 161 of the NEB gene. It is expected to disrupt RNA splicing. Variants that disrupt the donor or acceptor splice site typically lead to a loss of protein function (PMID: 16199547), and loss-of-function variants in NEB are known to be pathogenic (PMID: 25205138). This variant is not present in population databases (gnomAD no frequency). This variant has not been reported in the literature in individuals affected with NEB-related conditions. Algorithms developed to predict the effect of sequence changes on RNA splicing suggest that this variant may disrupt the consensus splice site. In summary, the currently available evidence indicates that the variant is pathogenic, but additional data are needed to prove that conclusively. Therefore, this variant has been classified as Likely Pathogenic.

Literature cited by the submitters: PubMed 16199547; PubMed 25205138.

NM_001164508.2(NEB):c.23242-2A>G

Genes: NEB (nebulin; minus strand), RIF1 (replication timing regulatory factor 1; plus strand). Cytogenetic location: 2q23.3.
Variant type: single nucleotide variant.
Coding change: c.23242-2A>G on transcript NM_001164508.2 (MANE Select); the canonical splice acceptor site of the intron before coding-DNA position 23242, A replaced by G.
Molecular consequence: splice acceptor variant.
Genome position (GRCh38, 1-based): chr2:151,512,839, T>C on the plus strand (A>G on the coding strand, the complement: NEB is on the minus strand). VCF-style: chr2-151512839-T-C. GRCh37 (hg19) VCF-style: chr2-152369353-T-C.
Other names: c.18139-2A>G (NM_004543.5); c.23242-2A>G (NM_001164507.2); c.23347-2A>G (NM_001271208.2).
Identifiers: ClinVar variation 2837117 (VCV002837117.3), dbSNP rs2552073612, ClinGen allele CA348750648.